The following is an entry in ClinVar:

NM_000102.4(CYP17A1):c.374G>A (p.Arg125Gln)

Gene: CYP17A1 (cytochrome P450 family 17 subfamily A member 1; minus strand). Cytogenetic location: 10q24.32.
Variant type: single nucleotide variant.
Coding change: c.374G>A on transcript NM_000102.4 (MANE Select); coding-DNA position 374, G replaced by A.
Protein change: p.Arg125Gln; replaces arginine 125 with glutamine.
Molecular consequence: missense variant.
Genome position (GRCh38, 1-based): chr10:102,835,316, C>T on the plus strand (G>A on the coding strand, the complement: CYP17A1 is on the minus strand). VCF-style: chr10-102835316-C-T. GRCh37 (hg19) VCF-style: chr10-104595073-C-T.
Other names: short protein forms R125Q.
Identifiers: ClinVar variation 1803 (VCV000001803.11), dbSNP rs104894154, ClinGen allele CA115201.

ClinVar aggregate classification (germline): Pathogenic. Review status: criteria provided, multiple submitters, no conflicts (2 of 4 stars). 5 submissions from 5 submitters: Pathogenic (3). 2 of the submissions do not count toward it. Last evaluated 2025-10-21.

Conditions:
Differences in sex development.
Deficiency of steroid 17-alpha-monooxygenase. Also called: Congenital adrenal hyperplasia due to 17-alpha-hydroxylase deficiency; Congenital adrenal hyperplasia type 5; 17-alpha-hydroxylase/17,20-lyase deficiency; 17-ALPHA-HYDROXYLASE DEFICIENCY; ADRENAL HYPERPLASIA V. Identifiers: Orphanet 90793, MedGen C0268285, MONDO:0008730, OMIM 202110.
17-alpha-hydroxylase/17,20-lyase deficiency, combined complete. Identifiers: MedGen CN042980, MONDO:0800379.

Allele frequency attached by ClinVar (database versions not stated): TOPMed below 0.00001; ExAC 0.00001; gnomAD exomes 0.00002 and 0.00004; gnomAD 0.00003.
gnomAD v4.1: 62 of 1,612,078 alleles (0.0038%); highest among the groups gnomAD compares: Non-Finnish European, 0.0048%; no homozygotes.

Submissions (5):

NHS Central & South Genomic Laboratory Hub
Classification: Pathogenic for Differences in sex development. Last evaluated: 2025-10-21. Review status: criteria provided, single submitter. Criteria: ACMG Guidelines, 2015. Collection method: clinical testing. Allele origin: germline. Affected: yes.

Labcorp Genetics (formerly Invitae), Labcorp
Classification: Pathogenic. Last evaluated: 2023-12-22. Review status: criteria provided, single submitter. Criteria: Invitae Variant Classification Sherloc (09022015). Collection method: clinical testing. Allele origin: germline.
Comment: This sequence change replaces arginine, which is basic and polar, with glutamine, which is neutral and polar, at codon 125 of the CYP17A1 protein (p.Arg125Gln). This variant is present in population databases (rs104894154, gnomAD 0.004%). This missense change has been observed in individual(s) with 17-alpha-hydroxylase deficiency (PMID: 16849412, 22954317, 29858860). In at least one individual the data is consistent with being in trans (on the opposite chromosome) from a pathogenic variant. ClinVar contains an entry for this variant (Variation ID: 1803). Advanced modeling of protein sequence and biophysical properties (such as structural, functional, and spatial information, amino acid conservation, physicochemical variation, residue mobility, and thermodynamic stability) performed at Invitae indicates that this missense variant is expected to disrupt CYP17A1 protein function with a positive predictive value of 95%. Experimental studies have shown that this missense change affects CYP17A1 function (PMID: 16849412). For these reasons, this variant has been classified as Pathogenic.

Baylor Genetics
Classification: Pathogenic for Deficiency of steroid 17-alpha-monooxygenase. Last evaluated: 2023-09-20. Review status: criteria provided, single submitter. Criteria: ACMG Guidelines, 2015. Collection method: clinical testing. Allele origin: unknown.

Natera, Inc.
Classification: Likely pathogenic for Deficiency of steroid 17-alpha-monooxygenase. Last evaluated: 2020-08-12. Review status: no assertion criteria provided. Collection method: clinical testing. Allele origin: germline. Not counted in ClinVar's aggregate classification.

OMIM
Classification: Pathogenic for 17-ALPHA-HYDROXYLASE/17,20-LYASE DEFICIENCY, COMBINED COMPLETE. Last evaluated: 2006-10-01. Review status: no assertion criteria provided. Collection method: literature only. Allele origin: germline. Not counted in ClinVar's aggregate classification.

Literature cited by the submitters: PubMed 16849412 (cited by Labcorp Genetics (formerly Invitae), Labcorp and OMIM); PubMed 22954317 (cited by Labcorp Genetics (formerly Invitae), Labcorp); PubMed 29858860 (cited by Labcorp Genetics (formerly Invitae), Labcorp).